The following is an entry in ClinVar:

ClinVar aggregate classification (germline): Pathogenic (3 of 4 stars; one submission).

Conditions:
Phenylketonuria (PKU). Also called: Phenylketonurias; Phenylketonuria (PKU); OLIGOPHRENIA PHENYLPYRUVICA; FOLLING DISEASE. Identifiers: Orphanet 716, MedGen C0031485, MONDO:0009861, OMIM 261600. Disease mechanism: loss of function.

Submission:

ClinGen PAH Variant Curation Expert Panel
Classification: Pathogenic for Phenylketonuria. Last evaluated: 2020-11-24. Review status: reviewed by expert panel. Criteria: ClinGen PAH ACMG Specifications v1. Collection method: curation. Allele origin: germline. Inheritance: Autosomal recessive inheritance.
Comment: This is a frameshift variant in exon 6 out of 13 coding exons, predicted to undergo nonsense mediated decay (NMD). The exon is present in biologically-relevant transcripts. This variant is absent in population databases. In summary, this variant meets criteria to be classified as pathogenic for PAH. PAH-specific ACMG/AMP criteria applied: PVS1, PM2, PP4

NM_000277.3(PAH):c.667_674dup (p.Gln226fs)

Gene: PAH (phenylalanine hydroxylase; minus strand). Cytogenetic location: 12q23.2.
Variant type: Duplication.
Coding change: c.667_674dup on transcript NM_000277.3 (MANE Select); coding-DNA positions 667 to 674, 8 bases duplicated (AACATTCC; older notation c.667_674dupAACATTCC).
Protein change: p.Gln226fs; shifts the reading frame from glutamine 226.
Molecular consequence: frameshift variant.
Genome position (GRCh38, 1-based): chr12:102,855,168-102,855,175, GGAATGTT duplicated on the plus strand (AACATTCC on the coding strand, the reverse complement: PAH is on the minus strand). VCF-style (leftmost placement, unchanged base first): chr12-102855167-G-GGGAATGTT. GRCh37 (hg19) VCF-style: chr12-103248945-G-GGGAATGTT.
Other names: c.667_674dup, p.Gln226fs (NM_001354304.2); short protein forms Q226fs.
Identifiers: ClinVar variation 1065371 (VCV001065371.1), dbSNP rs2136649263, ClinGen allele CA16021000.